The following is an entry in ClinVar:

NM_153240.5(NPHP3):c.1832_1833del (p.Ser611fs)

Genes: NPHP3 (nephrocystin 3; minus strand), NPHP3-ACAD11 (NPHP3-ACAD11 readthrough (NMD candidate); minus strand). Cytogenetic location: 3q22.1.
Variant type: Microsatellite.
Coding change: c.1832_1833del on transcript NM_153240.5 (MANE Select); coding-DNA positions 1832 to 1833, 2 bases deleted (CT; older notation c.1832_1833delCT).
Protein change: p.Ser611fs; shifts the reading frame from serine 611.
Molecular consequence: frameshift variant. On other transcripts: non-coding transcript variant (1).
Genome position (GRCh38, 1-based): chr3:132,699,972-132,699,973, AG deleted on the plus strand (CT on the coding strand, the reverse complement: NPHP3 is on the minus strand); deleting any 2 consecutive bases within chr3:132,699,972-132,699,977 gives the same sequence; the c. name uses the placement nearest the transcript's 3' end. VCF-style (leftmost placement, unchanged base first): chr3-132699971-CAG-C. GRCh37 (hg19) VCF-style: chr3-132418815-CAG-C.
Other names: short protein forms S611fs.
Identifiers: ClinVar variation 1454798 (VCV001454798.7), dbSNP rs780165789, ClinGen allele CA2622193.
Genomic context (GRCh38, chr3:132,699,971, plus strand): 5'-ACGGTACCTGAACTTGATCTATAGAATCAATAACGATGATGATGCTGCCTTGATGACGAG[CAG>C]AGAGTTTTTCCAGCCAACGTGGAAATTCTTCCAGAAGCTTAGCAGGATCCAGTGTCAGAG-3'

ClinVar aggregate classification (germline): Pathogenic. Review status: criteria provided, multiple submitters, no conflicts (2 of 4 stars). 2 submissions from 2 submitters: Pathogenic (2). Last evaluated 2026-03-06.

Conditions:
Nephronophthisis. Also called: Juvenile Nephronophthisis. Identifiers: Orphanet 655, MedGen C0687120, MONDO:0019005, HP:0000090.

Submissions (2):

GeneDx
Classification: Pathogenic. Last evaluated: 2026-03-06. Review status: criteria provided, single submitter. Criteria: GeneDx Variant Classification Process June 2021. Collection method: clinical testing. Allele origin: germline.
Comment: Frameshift variant predicted to result in protein truncation or nonsense mediated decay in a gene for which loss of function is a known mechanism of disease; Not observed at significant frequency in large population cohorts (gnomAD); Has not been previously published as pathogenic or benign to our knowledge; This variant is associated with the following publications: (PMID: 31964843)

Labcorp Genetics (formerly Invitae), Labcorp
Classification: Pathogenic for Nephronophthisis. Last evaluated: 2023-08-04. Review status: criteria provided, single submitter. Criteria: Invitae Variant Classification Sherloc (09022015). Collection method: clinical testing. Allele origin: germline.
Comment: This sequence change creates a premature translational stop signal (p.Ser611Cysfs*12) in the NPHP3 gene. It is expected to result in an absent or disrupted protein product. Loss-of-function variants in NPHP3 are known to be pathogenic (PMID: 18371931, 23559409). This variant is present in population databases (rs780165789, gnomAD 0.006%). This variant has not been reported in the literature in individuals affected with NPHP3-related conditions. For these reasons, this variant has been classified as Pathogenic.

Literature cited by the submitters: PubMed 18371931 (cited by Labcorp Genetics (formerly Invitae), Labcorp); PubMed 23559409 (cited by Labcorp Genetics (formerly Invitae), Labcorp).